The following is an entry in ClinVar:

NM_007294.4(BRCA1):c.4425C>G (p.Asp1475Glu)

Gene: BRCA1 (BRCA1 DNA repair associated; minus strand). Cytogenetic location: 17q21.31.
Variant type: single nucleotide variant.
Coding change: c.4425C>G on transcript NM_007294.4 (MANE Select); coding-DNA position 4425, C replaced by G.
Protein change: p.Asp1475Glu; replaces aspartic acid 1475 with glutamic acid.
Molecular consequence: missense variant. On other transcripts: non-coding transcript variant (1).
Genome position (GRCh38, 1-based): chr17:43,076,547, G>C on the plus strand (C>G on the coding strand, the complement: BRCA1 is on the minus strand). VCF-style: chr17-43076547-G-C. GRCh37 (hg19) VCF-style: chr17-41228564-G-C.
Other names: c.4425C>G, p.Asp1475Glu (NM_001407605.1, NM_001407593.1, NM_001407594.1 and 8 more transcripts); c.4158C>G, p.Asp1386Glu (NM_001407933.1, NM_001407927.1, NM_001407928.1 and 4 more transcripts); c.4155C>G, p.Asp1385Glu (NM_001407934.1, NM_001407935.1, NM_001407936.1); c.4422C>G, p.Asp1474Glu (NM_001407615.1, NM_001407610.1, NM_001407612.1 and 17 more transcripts); c.4212C>G, p.Asp1404Glu (NM_001407571.1, NM_001407894.1, NM_001407895.1 and 12 more transcripts); c.4491C>G, p.Asp1497Glu (NM_001407581.1, NM_001407582.1); c.876C>G, p.Asp292Glu (NM_001408494.1); c.870C>G, p.Asp290Glu (NM_001408495.1); and 68 more; short protein forms D1179E, D1306E, D1346E, D1347E, D1363E, D1432E, D1433E, D1447E.
Identifiers: ClinVar variation 1740509 (VCV001740509.2), dbSNP rs2154065746, ClinGen allele CA10592687.

ClinVar aggregate classification (germline): Uncertain significance (1 of 4 stars; one submission).

Conditions:
Hereditary cancer-predisposing syndrome. Also called: Hereditary Cancer Syndrome; Hereditary neoplastic syndrome; Neoplastic Syndromes, Hereditary; Tumor predisposition. Identifiers: Orphanet 140162, MedGen C0027672, MeSH D009386, MONDO:0015356.

Submission:

Ambry Genetics
Classification: Uncertain significance for Hereditary cancer-predisposing syndrome. Last evaluated: 2021-05-22. Review status: criteria provided, single submitter. Criteria: Ambry Variant Classification Scheme 2023. Collection method: clinical testing. Allele origin: germline.
Comment: The p.D1475E variant (also known as c.4425C>G), located in coding exon 12 of the BRCA1 gene, results from a C to G substitution at nucleotide position 4425. The aspartic acid at codon 1475 is replaced by glutamic acid, an amino acid with highly similar properties. This amino acid position is well conserved in available vertebrate species. In addition, the in silico prediction for this alteration is inconclusive. Since supporting evidence is limited at this time, the clinical significance of this alteration remains unclear.